The following is an entry in ClinVar:

ClinVar aggregate classification (germline): not provided. Review status: no classification provided (0 of 4 stars). 3 submissions from 1 submitter: not provided (3).

Conditions:
Preeclampsia. Identifiers: Orphanet 275555, MedGen C0032914, MONDO:0005081, HP:0100602.
Normal pregnancy. Identifiers: MedGen C0232989.
Large for gestational age. Identifiers: MedGen C1848395, HP:0001520.

Submissions (3):

Institute of Molecular and Cell Biology, University of Tartu
No classification provided. Condition: Normal pregnancy. Review status: no classification provided. Collection method: case-control. Allele origin: unknown. Affected: yes. Study: Kasak2014.
Comment: The study aimed to determine the contribution of copy number variants in the genetic etiology of normal and complicated pregnancies. The samples represented (i) maternal blood DNA drawn from healthy pregnant women during 1st or 2nd trimester and (ii) maternal and paternal blood DNA drawn at term pregnancy cases representing normal and complicated gestations (severe preeclampsia, PE; gestational diabetes, GD; small-for-gestational age newborn, SGA; large-for-gestational age newborn, LGA). We performed CNV calling based on genome-wide genotyping dataset (Illumina HumanOmniExpress-24-v1 BeadChip) by applying three algorithms, QuantiSNP, GADA (Genome Alteration Detection Algorithm) and CNstream in parallel. The acquired CNV calls were merged with HD-CNV (Hotspot Detector for Copy Number Variants) program and only the CNVs predicted by at least two programs, were considered in subsequent analysis.

Institute of Molecular and Cell Biology, University of Tartu
No classification provided. Condition: Large for gestational age. Review status: no classification provided. Collection method: case-control. Allele origin: unknown. Affected: yes. Study: Kasak2014.
Comment: the same text as in the submission from Institute of Molecular and Cell Biology, University of Tartu above.

Institute of Molecular and Cell Biology, University of Tartu
No classification provided. Condition: Preeclampsia. Review status: no classification provided. Collection method: case-control. Allele origin: unknown. Affected: yes. Study: Kasak2014.
Comment: the same text as in the submission from Institute of Molecular and Cell Biology, University of Tartu above.

Literature cited by the submitters: PubMed 25666259.

Single allele

Gene: ANKFN1 (ankyrin repeat and fibronectin type III domain containing 1; plus strand). Cytogenetic location: 17q22.
Variant type: Deletion.
Identifiers: ClinVar variation 157396 (VCV000157396.2).